The following is an entry in ClinVar:

ClinVar aggregate classification (germline): Conflicting classifications of pathogenicity. Review status: criteria provided, conflicting classifications (1 of 4 stars). 2 submissions from 2 submitters: Uncertain significance (1); Likely benign (1). Last evaluated 2025-02-20.

Allele frequency attached by ClinVar (database versions not stated): gnomAD 0.00004 and 0.00008; TOPMed 0.00009; ExAC 0.00016; gnomAD exomes 0.00016; 1000 Genomes Project 30x 0.00031; 1000 Genomes Project 0.00040.
gnomAD v4.1: 239 of 1,614,172 alleles (0.015%); highest among the groups gnomAD compares: East Asian, 0.51%; 1 homozygote.

Submissions (2):

Labcorp Genetics (formerly Invitae), Labcorp
Classification: Likely benign. Last evaluated: 2025-02-20. Review status: criteria provided, single submitter. Criteria: Invitae Variant Classification Sherloc (09022015). Collection method: clinical testing. Allele origin: germline.

GeneDx
Classification: Uncertain significance. Last evaluated: 2024-04-23. Review status: criteria provided, single submitter. Criteria: GeneDx Variant Classification Process June 2021. Collection method: clinical testing. Allele origin: germline. Affected: yes.
Comment: In silico analysis indicates that this missense variant does not alter protein structure/function; Has not been previously published as pathogenic or benign to our knowledge

NM_006946.4(SPTBN2):c.924G>C (p.Glu308Asp)

Gene: SPTBN2 (spectrin beta, non-erythrocytic 2; minus strand). Cytogenetic location: 11q13.2.
Variant type: single nucleotide variant.
Coding change: c.924G>C on transcript NM_006946.4 (MANE Select); coding-DNA position 924, G replaced by C.
Protein change: p.Glu308Asp; replaces glutamic acid 308 with aspartic acid.
Molecular consequence: missense variant.
Genome position (GRCh38, 1-based): chr11:66,710,731, C>G on the plus strand (G>C on the coding strand, the complement: SPTBN2 is on the minus strand). VCF-style: chr11-66710731-C-G. GRCh37 (hg19) VCF-style: chr11-66478202-C-G.
Other names: short protein forms E308D.
Identifiers: ClinVar variation 305594 (VCV000305594.10), dbSNP rs564046722, ClinGen allele CA6129521.